The following is an entry in ClinVar:

NM_152564.5(VPS13B):c.7317T>A (p.Cys2439Ter)

Gene: VPS13B (vacuolar protein sorting 13 homolog B; plus strand). Cytogenetic location: 8q22.2.
Variant type: single nucleotide variant.
Coding change: c.7317T>A on transcript NM_152564.5 (MANE Select); coding-DNA position 7317, T replaced by A.
Protein change: p.Cys2439Ter; replaces cysteine 2439 with a stop codon.
Molecular consequence: nonsense.
Genome position (GRCh38, 1-based): chr8:99,776,844, T>A. VCF-style: chr8-99776844-T-A. GRCh37 (hg19) VCF-style: chr8-100789072-T-A.
Other names: c.7392T>A, p.Cys2464Ter (NM_017890.5); short protein forms C2439*, C2464*.
Identifiers: ClinVar variation 1724232 (VCV001724232.2), dbSNP rs2491830256, ClinGen allele CA371875676.

ClinVar aggregate classification (germline): Likely pathogenic (1 of 4 stars; one submission).

Conditions:
Cohen syndrome (COH1). Also called: PEPPER SYNDROME; Cutis verticis gyrata, retinitis pigmentosa, and sensorineural deafness. Identifiers: Orphanet 193, MedGen C0265223, MONDO:0008999, OMIM 216550.

Submission:

Myriad Genetics, Inc.
Classification: Likely pathogenic for Cohen syndrome. Last evaluated: 2022-02-02. Review status: criteria provided, single submitter. Criteria: Myriad Women's Health Autosomal Recessive and X-Linked Classification Criteria (2021). Collection method: clinical testing. Allele origin: unknown.
Comment: NM_017890.4(VPS13B):c.7392T>A(C2464*) is expected to be pathogenic in the context of Cohen syndrome. This variant is predicted to lead to an abnormal or absent protein product due to the creation of a premature termination codon in VPS13B, a gene where loss-of-function variants are known to be pathogenic. Please note: this variant was assessed in the context of healthy population screening.